The following is an entry in ClinVar:

NM_001385641.1(SAMD11):c.794T>A (p.Val265Asp)

Gene: SAMD11 (sterile alpha motif domain containing 11; plus strand). Cytogenetic location: 1p36.33.
Variant type: single nucleotide variant.
Coding change: c.794T>A on transcript NM_001385641.1 (MANE Select); coding-DNA position 794, T replaced by A.
Protein change: p.Val265Asp; replaces valine 265 with aspartic acid.
Molecular consequence: missense variant.
Genome position (GRCh38, 1-based): chr1:931,041, T>A. VCF-style: chr1-931041-T-A. GRCh37 (hg19) VCF-style: chr1-866421-T-A.
Other names: c.794T>A, p.Val265Asp (NM_001385640.1); c.257T>A, p.Val86Asp (NM_152486.4); c.257T>A (NM_152486.2); short protein forms V86D, V265D.
Identifiers: ClinVar variation 1354897 (VCV001354897.4), dbSNP rs138703951, ClinGen allele CA502492.

ClinVar aggregate classification (germline): Uncertain significance. Review status: criteria provided, multiple submitters, no conflicts (2 of 4 stars). 2 submissions from 2 submitters: Uncertain significance (2). Last evaluated 2025-08-21.

Allele frequency attached by ClinVar (database versions not stated): ExAC 0.00003; ESP Exome Variant Server 0.00015.
gnomAD v4.1: 114 of 1,612,708 alleles (0.0071%); highest among the groups gnomAD compares: Non-Finnish European, 0.0092%; no homozygotes.

Submissions (2):

Ambry Genetics
Classification: Uncertain significance. Last evaluated: 2025-08-21. Review status: criteria provided, single submitter. Criteria: Ambry Variant Classification Scheme 2023. Collection method: clinical testing. Allele origin: germline.

Labcorp Genetics (formerly Invitae), Labcorp
Classification: Uncertain significance. Last evaluated: 2022-02-08. Review status: criteria provided, single submitter. Criteria: Invitae Variant Classification Sherloc (09022015). Collection method: clinical testing. Allele origin: germline.
Comment: This sequence change replaces valine, which is neutral and non-polar, with aspartic acid, which is acidic and polar, at codon 86 of the SAMD11 protein (p.Val86Asp). This variant is present in population databases (rs138703951, gnomAD 0.01%). This variant has not been reported in the literature in individuals affected with SAMD11-related conditions. Algorithms developed to predict the effect of missense changes on protein structure and function are either unavailable or do not agree on the potential impact of this missense change (SIFT: "Deleterious"; PolyPhen-2: "Benign"; Align-GVGD: "Class C0"). In summary, the available evidence is currently insufficient to determine the role of this variant in disease. Therefore, it has been classified as a Variant of Uncertain Significance.